The following is an entry in ClinVar:

NM_032119.4(ADGRV1):c.13714A>G (p.Ile4572Val)

Gene: ADGRV1 (adhesion G protein-coupled receptor V1; plus strand). Cytogenetic location: 5q14.3.
Variant type: single nucleotide variant.
Coding change: c.13714A>G on transcript NM_032119.4 (MANE Select); coding-DNA position 13714, A replaced by G.
Protein change: p.Ile4572Val; replaces isoleucine 4572 with valine.
Molecular consequence: missense variant. On other transcripts: non-coding transcript variant (1).
Genome position (GRCh38, 1-based): chr5:90,788,131, A>G. VCF-style: chr5-90788131-A-G. GRCh37 (hg19) VCF-style: chr5-90083948-A-G.
Other names: short protein forms I4572V.
Identifiers: ClinVar variation 1318969 (VCV001318969.5), dbSNP rs727503082, ClinGen allele CA3341592.
Genomic context (GRCh38, chr5:90,788,131, plus strand): 5'-GTGAACTGGGAGACAGTAGGACCCAACTCTCAAGAAGCCTTACTGCCACAGAATAGAGAC[A>G]TTGCAGACCCAGTGAGCGGGTTGTTCTATTTTGGAGAAGGAGAAGGAGGAGTGAGAACCA-3'
Protein context (NP_115495.3, residues 4562-4582): QEALLPQNRD[Ile4572Val]ADPVSGLFYF

ClinVar aggregate classification (germline): Uncertain significance. Review status: criteria provided, multiple submitters, no conflicts (2 of 4 stars). 3 submissions from 3 submitters: Uncertain significance (3). Last evaluated 2025-04-10.

Conditions:
Inborn genetic diseases. Identifiers: MedGen C0950123, MeSH D030342.

gnomAD v4.1: 9 of 1,613,578 alleles (0.00056%); highest among the groups gnomAD compares: Middle Eastern, 0.016%; no homozygotes.

Submissions (3):

Ambry Genetics
Classification: Uncertain significance for Inborn genetic diseases. Last evaluated: 2025-04-10. Review status: criteria provided, single submitter. Criteria: Ambry Variant Classification Scheme 2023. Collection method: clinical testing. Allele origin: germline.

GeneDx
Classification: Uncertain significance. Last evaluated: 2023-06-14. Review status: criteria provided, single submitter. Criteria: GeneDx Variant Classification Process June 2021. Collection method: clinical testing. Allele origin: germline. Affected: yes.
Comment: Not observed at significant frequency in large population cohorts (gnomAD); In silico analysis supports that this missense variant does not alter protein structure/function; Has not been previously published as pathogenic or benign to our knowledge

Blueprint Genetics
Classification: Uncertain significance. Last evaluated: 2017-11-05. Review status: criteria provided, single submitter. Criteria: ACMG Guidelines, 2015. Collection method: clinical testing. Allele origin: germline.